The following is an entry in ClinVar:

NM_005633.4(SOS1):c.1210G>C (p.Ala404Pro)

Gene: SOS1 (SOS Ras/Rac guanine nucleotide exchange factor 1; minus strand). Cytogenetic location: 2p22.1.
Variant type: single nucleotide variant.
Coding change: c.1210G>C on transcript NM_005633.4 (MANE Select); coding-DNA position 1210, G replaced by C.
Protein change: p.Ala404Pro; replaces alanine 404 with proline.
Molecular consequence: missense variant.
Genome position (GRCh38, 1-based): chr2:39,023,218, C>G on the plus strand (G>C on the coding strand, the complement: SOS1 is on the minus strand). VCF-style: chr2-39023218-C-G. GRCh37 (hg19) VCF-style: chr2-39250359-C-G.
Other names: c.1189G>C, p.Ala397Pro (NM_001382394.1); c.1210G>C, p.Ala404Pro (NM_001382395.1); short protein forms A397P, A404P.
Identifiers: ClinVar variation 2700777 (VCV002700777.3), dbSNP rs2529038323, ClinGen allele CA346366703.

ClinVar aggregate classification (germline): Uncertain significance (1 of 4 stars; one submission).

Conditions:
RASopathy. Also called: Noonan spectrum disorder; rasopathies. Identifiers: Orphanet 536391, MedGen C5555857, MONDO:0021060.

Allele frequency attached by ClinVar (database versions not stated): gnomAD exomes below 0.00001.
gnomAD v4.1: 1 of 1,611,638 alleles (0.000062%); highest among the groups gnomAD compares: Non-Finnish European, 0.000085%; no homozygotes.

Submission:

Labcorp Genetics (formerly Invitae), Labcorp
Classification: Uncertain significance for RASopathy. Last evaluated: 2023-12-04. Review status: criteria provided, single submitter. Criteria: Invitae Variant Classification Sherloc (09022015). Collection method: clinical testing. Allele origin: germline.
Comment: This sequence change replaces alanine, which is neutral and non-polar, with proline, which is neutral and non-polar, at codon 404 of the SOS1 protein (p.Ala404Pro). This variant is not present in population databases (gnomAD no frequency). This variant has not been reported in the literature in individuals affected with SOS1-related conditions. Advanced modeling of protein sequence and biophysical properties (such as structural, functional, and spatial information, amino acid conservation, physicochemical variation, residue mobility, and thermodynamic stability) has been performed at Invitae for this missense variant, however the output from this modeling did not meet the statistical confidence thresholds required to predict the impact of this variant on SOS1 protein function. In summary, the available evidence is currently insufficient to determine the role of this variant in disease. Therefore, it has been classified as a Variant of Uncertain Significance.